The following is an entry in ClinVar:

NM_174936.4(PCSK9):c.*803G>A

Gene: PCSK9 (proprotein convertase subtilisin/kexin type 9; plus strand). Cytogenetic location: 1p32.3.
Variant type: single nucleotide variant.
Coding change: c.*803G>A on transcript NM_174936.4 (MANE Select); 803 bases downstream of the stop codon, G replaced by A.
Molecular consequence: 3 prime UTR variant.
Genome position (GRCh38, 1-based): chr1:55,064,387, G>A. VCF-style: chr1-55064387-G-A. GRCh37 (hg19) VCF-style: chr1-55530060-G-A.
Other names: c.*803G>A (NM_001407240.1, NM_001407241.1, NM_001407242.1 and 5 more transcripts).
Identifiers: ClinVar variation 297738 (VCV000297738.8), dbSNP rs529378080, ClinGen allele CA10610197.
Genomic context (GRCh38, chr1:55,064,387, plus strand): 5'-GGCAGGGTACACATTCGCACCCCTACTTCACAGAGGAAGAAACCTGGAACCAGAGGGGGC[G>A]TGCCTGCCAAGCTCACACAGCAGGAACTGAGCCAGAAACGCAGATTGGGCTGGCTCTGAA-3'

ClinVar aggregate classification (germline): Uncertain significance. Review status: criteria provided, single submitter (1 of 4 stars). 3 submissions from 2 submitters: Uncertain significance (2). 1 of the submissions does not count toward it. Last evaluated 2018-01-13.

Conditions:
Hypobetalipoproteinemia. Identifiers: Orphanet 31154, MedGen C0020597, MONDO:0017774.
Hypercholesterolemia, autosomal dominant, 3 (FHCL3). Also called: Familial Hypercholesterolemia, Autosomal Dominant, 3; PCSK9-Related Familial Hypercholesterolemia, Autosomal Dominant; Familial hypercholesterolemia 3. Identifiers: MedGen C1863551, MONDO:0011369, OMIM 603776.
PCSK9-related disorder. Also called: PCSK9-related disorders; PCSK9-related condition.

Allele frequency attached by ClinVar (database versions not stated): gnomAD 0.00048 and 0.00053; TOPMed 0.00057.

Submissions (3):

Illumina Laboratory Services, Illumina
Classification: Uncertain significance for Hypercholesterolemia, autosomal dominant, 3. Last evaluated: 2018-01-13. Review status: criteria provided, single submitter. Criteria: ICSL Variant Classification Criteria 13 December 2019. Collection method: clinical testing. Allele origin: germline.

Illumina Laboratory Services, Illumina
Classification: Uncertain significance for Hypobetalipoproteinemia. Last evaluated: 2018-01-13. Review status: criteria provided, single submitter. Criteria: ICSL Variant Classification Criteria 13 December 2019. Collection method: clinical testing. Allele origin: germline.

PreventionGenetics, part of Exact Sciences
Classification: Likely benign for PCSK9-related condition. Last evaluated: 2023-10-27. Review status: no assertion criteria provided. Collection method: clinical testing. Allele origin: germline. Not counted in ClinVar's aggregate classification.
Comment: This variant is classified as likely benign based on ACMG/AMP sequence variant interpretation guidelines (Richards et al. 2015 PMID: 25741868, with internal and published modifications).